The following is an entry in ClinVar:

ClinVar aggregate classification (germline): Uncertain significance (1 of 4 stars; one submission).

Allele frequency attached by ClinVar (database versions not stated): TOPMed below 0.00001.
gnomAD v4.1: 2 of 1,614,154 alleles (0.00012%); highest among the groups gnomAD compares: Non-Finnish European, 0.00017%; no homozygotes.

Submission:

Labcorp Genetics (formerly Invitae), Labcorp
Classification: Uncertain significance. Last evaluated: 2024-10-30. Review status: criteria provided, single submitter. Criteria: Invitae Variant Classification Sherloc (09022015). Collection method: clinical testing. Allele origin: germline.
Comment: This sequence change replaces serine, which is neutral and polar, with phenylalanine, which is neutral and non-polar, at codon 1545 of the FAT4 protein (p.Ser1545Phe). This variant is not present in population databases (gnomAD no frequency). This variant has not been reported in the literature in individuals affected with FAT4-related conditions. ClinVar contains an entry for this variant (Variation ID: 1943964). Invitae Evidence Modeling of protein sequence and biophysical properties (such as structural, functional, and spatial information, amino acid conservation, physicochemical variation, residue mobility, and thermodynamic stability) indicates that this missense variant is not expected to disrupt FAT4 protein function with a negative predictive value of 80%. In summary, the available evidence is currently insufficient to determine the role of this variant in disease. Therefore, it has been classified as a Variant of Uncertain Significance.

NM_001291303.3(FAT4):c.4634C>T (p.Ser1545Phe)

Gene: FAT4 (FAT atypical cadherin 4; plus strand). Cytogenetic location: 4q28.1.
Variant type: single nucleotide variant.
Coding change: c.4634C>T on transcript NM_001291303.3 (MANE Select); coding-DNA position 4634, C replaced by T.
Protein change: p.Ser1545Phe; replaces serine 1545 with phenylalanine.
Molecular consequence: missense variant.
Genome position (GRCh38, 1-based): chr4:125,321,045, C>T. VCF-style: chr4-125321045-C-T. GRCh37 (hg19) VCF-style: chr4-126242200-C-T.
Other names: c.4634C>T, p.Ser1545Phe (NM_001291285.3, NM_024582.6); short protein forms S1545F.
Identifiers: ClinVar variation 1943964 (VCV001943964.5), dbSNP rs1730918713, ClinGen allele CA358127235.